The following is an entry in ClinVar:

NM_016107.5(ZFR):c.1447A>G (p.Thr483Ala)

Gene: ZFR (zinc finger RNA binding protein; minus strand). Cytogenetic location: 5p13.3.
Variant type: single nucleotide variant.
Coding change: c.1447A>G on transcript NM_016107.5 (MANE Select); coding-DNA position 1447, A replaced by G.
Protein change: p.Thr483Ala; replaces threonine 483 with alanine.
Molecular consequence: missense variant. On other transcripts: non-coding transcript variant (1).
Genome position (GRCh38, 1-based): chr5:32,403,175, T>C on the plus strand (A>G on the coding strand, the complement: ZFR is on the minus strand). VCF-style: chr5-32403175-T-C. GRCh37 (hg19) VCF-style: chr5-32403280-T-C.
Other names: short protein forms T483A.
Identifiers: ClinVar variation 2699994 (VCV002699994.3), dbSNP rs1267420664, ClinGen allele CA359359651.
Genomic context (GRCh38, chr5:32,403,175, plus strand): 5'-TTATTTTGGGGGTAGATGTTTTCTTGGCAGCCATATTTGTAGGCACTGCTGATACTTTAG[T>C]GTTAGATGTGCTATTAAGAGACGAGTTTCCTGTAGTCGTAAGACCCTTCATTGAAGACGT-3'
Protein context (NP_057191.2, residues 473-493): GNSSLNSTSN[Thr483Ala]KVSAVPTNMA

ClinVar aggregate classification (germline): Uncertain significance (1 of 4 stars; one submission).

Conditions:
Pure or complex autosomal recessive spastic paraplegia. Identifiers: Orphanet 320346, MedGen C5679887, MONDO:0017915.

Allele frequency attached by ClinVar (database versions not stated): gnomAD exomes below 0.00001.
gnomAD v4.1: 1 of 1,614,216 alleles (0.000062%); highest among the groups gnomAD compares: Non-Finnish European, 0.000085%; no homozygotes.

Submission:

Labcorp Genetics (formerly Invitae), Labcorp
Classification: Uncertain significance for Pure or complex autosomal recessive spastic paraplegia. Last evaluated: 2024-10-24. Review status: criteria provided, single submitter. Criteria: Invitae Variant Classification Sherloc (09022015). Collection method: clinical testing. Allele origin: germline.
Comment: This sequence change replaces threonine, which is neutral and polar, with alanine, which is neutral and non-polar, at codon 483 of the ZFR protein (p.Thr483Ala). This variant is present in population databases (no rsID available, gnomAD 0.0009%). This variant has not been reported in the literature in individuals affected with ZFR-related conditions. An algorithm developed to predict the effect of missense changes on protein structure and function outputs the following: PolyPhen-2: "Not Available". The alanine amino acid residue is found in multiple mammalian species, which suggests that this missense change does not adversely affect protein function. In summary, the available evidence is currently insufficient to determine the role of this variant in disease. Therefore, it has been classified as a Variant of Uncertain Significance.